The following is an entry in ClinVar:

NM_000075.4(CDK4):c.767C>T (p.Pro256Leu)

Genes: TSPAN31 (tetraspanin 31; plus strand), CDK4 (cyclin dependent kinase 4; minus strand). Cytogenetic location: 12q14.1.
Variant type: single nucleotide variant.
Coding change: c.767C>T on transcript NM_000075.4 (MANE Select); coding-DNA position 767, C replaced by T.
Protein change: p.Pro256Leu; replaces proline 256 with leucine.
Molecular consequence: missense variant. On other transcripts: 3 prime UTR variant (3).
Genome position (GRCh38, 1-based): chr12:57,749,234, G>A on the plus strand (C>T on the coding strand, the complement: CDK4 is on the minus strand). VCF-style: chr12-57749234-G-A. GRCh37 (hg19) VCF-style: chr12-58143017-G-A.
Other names: c.*1944G>A (NM_001330168.2, NM_001330169.2, NM_005981.5); short protein forms P256L.
Identifiers: ClinVar variation 582044 (VCV000582044.6), dbSNP rs1234167326, ClinGen allele CA385543246.
Genomic context (GRCh38, chr12:57,749,234, plus strand): 5'-TCCAGTACCAGCAGCAGCTGTGCTCCCGACTCCTCCATCTCAGGTACCACCGACTGCACT[G>A]GGCGGGGCCCTCTGGGGGGAAAGGCTCCACGGGGCAGGGATACATCTCGAGGCCAGTCAT-3'
Protein context (NP_000066.1, residues 246-266): RGAFPPRGPR[Pro256Leu]VQSVVPEMEE

ClinVar aggregate classification (germline): Uncertain significance. Review status: criteria provided, multiple submitters, no conflicts (2 of 4 stars). 3 submissions from 3 submitters: Uncertain significance (3). Last evaluated 2023-05-30.

Conditions:
Familial melanoma. Also called: Hereditary melanoma; Hereditary cutaneous melanoma. Identifiers: Orphanet 618, MedGen C1512419, MONDO:0018961.
Hereditary cancer-predisposing syndrome. Also called: Neoplastic Syndromes, Hereditary; Hereditary Cancer Syndrome; Tumor predisposition; Hereditary neoplastic syndrome. Identifiers: Orphanet 140162, MedGen C0027672, MeSH D009386, MONDO:0015356.

Allele frequency attached by ClinVar (database versions not stated): gnomAD exomes below 0.00001; TOPMed below 0.00001.
gnomAD v4.1: 2 of 1,614,082 alleles (0.00012%); highest among the groups gnomAD compares: Non-Finnish European, 0.00017%; no homozygotes.

Submissions (3):

Women's Health and Genetics/Laboratory Corporation of America, LabCorp
Classification: Uncertain significance. Last evaluated: 2023-05-30. Review status: criteria provided, single submitter. Criteria: LabCorp Variant Classification Summary - May 2015. Collection method: clinical testing. Allele origin: germline.
Comment: Variant summary: CDK4 c.767C>T (p.Pro256Leu) results in a non-conservative amino acid change located in the Protein kinase domain (IPR000719) of the encoded protein sequence. Three of five in-silico tools predict a damaging effect of the variant on protein function. The variant was absent in 250484 control chromosomes (gnomAD). The available data on variant occurrences in the general population are insufficient to allow any conclusion about variant significance. To our knowledge, no occurrence of c.767C>T in individuals affected with Cutaneous Malignant Melanoma and no experimental evidence demonstrating its impact on protein function have been reported. Two clinical diagnostic laboratories have submitted clinical-significance assessments for this variant to ClinVar after 2014, and classified it as uncertain significance. Based on the evidence outlined above, the variant was classified as uncertain significance.

Labcorp Genetics (formerly Invitae), Labcorp
Classification: Uncertain significance for Familial melanoma. Last evaluated: 2022-11-01. Review status: criteria provided, single submitter. Criteria: Invitae Variant Classification Sherloc (09022015). Collection method: clinical testing. Allele origin: germline.
Comment: This sequence change replaces proline, which is neutral and non-polar, with leucine, which is neutral and non-polar, at codon 256 of the CDK4 protein (p.Pro256Leu). This variant is not present in population databases (gnomAD no frequency). This variant has not been reported in the literature in individuals affected with CDK4-related conditions. ClinVar contains an entry for this variant (Variation ID: 582044). Advanced modeling of protein sequence and biophysical properties (such as structural, functional, and spatial information, amino acid conservation, physicochemical variation, residue mobility, and thermodynamic stability) performed at Invitae indicates that this missense variant is not expected to disrupt CDK4 protein function. In summary, the available evidence is currently insufficient to determine the role of this variant in disease. Therefore, it has been classified as a Variant of Uncertain Significance.

Ambry Genetics
Classification: Uncertain significance for Hereditary cancer-predisposing syndrome. Last evaluated: 2022-03-21. Review status: criteria provided, single submitter. Criteria: Ambry Variant Classification Scheme 2023. Collection method: clinical testing. Allele origin: germline.
Comment: The p.P256L variant (also known as c.767C>T), located in coding exon 6 of the CDK4 gene, results from a C to T substitution at nucleotide position 767. The proline at codon 256 is replaced by leucine, an amino acid with similar properties. This amino acid position is well conserved in available vertebrate species. In addition, the in silico prediction for this alteration is inconclusive. Since supporting evidence is limited at this time, the clinical significance of this alteration remains unclear.